The following is an entry in ClinVar:

ClinVar aggregate classification (germline): Uncertain significance (1 of 4 stars; one submission).

Conditions:
Werner syndrome (WRN). Identifiers: Orphanet 902, MedGen C0043119, MONDO:0010196, OMIM 277700.

Submission:

Labcorp Genetics (formerly Invitae), Labcorp
Classification: Uncertain significance for Werner syndrome. Last evaluated: 2022-07-06. Review status: criteria provided, single submitter. Criteria: Invitae Variant Classification Sherloc (09022015). Collection method: clinical testing. Allele origin: germline.
Comment: In summary, the available evidence is currently insufficient to determine the role of this variant in disease. Therefore, it has been classified as a Variant of Uncertain Significance. Algorithms developed to predict the effect of missense changes on protein structure and function are either unavailable or do not agree on the potential impact of this missense change (SIFT: "Not Available"; PolyPhen-2: "Probably Damaging"; Align-GVGD: "Not Available"). This variant has not been reported in the literature in individuals affected with WRN-related conditions. This variant is not present in population databases (gnomAD no frequency). This sequence change replaces serine, which is neutral and polar, with threonine, which is neutral and polar, at codon 462 of the WRN protein (p.Ser462Thr).

NM_000553.6(WRN):c.1384T>A (p.Ser462Thr)

Gene: WRN (WRN RecQ like helicase; plus strand). Cytogenetic location: 8p12.
Variant type: single nucleotide variant.
Coding change: c.1384T>A on transcript NM_000553.6 (MANE Select); coding-DNA position 1384, T replaced by A.
Protein change: p.Ser462Thr; replaces serine 462 with threonine.
Molecular consequence: missense variant.
Genome position (GRCh38, 1-based): chr8:31,085,199, T>A. VCF-style: chr8-31085199-T-A. GRCh37 (hg19) VCF-style: chr8-30942715-T-A.
Other names: short protein forms S462T.
Identifiers: ClinVar variation 2014554 (VCV002014554.4), dbSNP rs1813482200, ClinGen allele CA370923761.